The following is an entry in ClinVar:

NM_001127208.3(TET2):c.3094C>G (p.Leu1032Val)

Genes: TET2 (tet methylcytosine dioxygenase 2; plus strand), TET2-AS1 (TET2 antisense RNA 1; minus strand). Cytogenetic location: 4q24.
Variant type: single nucleotide variant.
Coding change: c.3094C>G on transcript NM_001127208.3 (MANE Select); coding-DNA position 3094, C replaced by G.
Protein change: p.Leu1032Val; replaces leucine 1032 with valine.
Molecular consequence: missense variant.
Genome position (GRCh38, 1-based): chr4:105,237,036, C>G. VCF-style: chr4-105237036-C-G. GRCh37 (hg19) VCF-style: chr4-106158193-C-G.
Other names: c.3094C>G, p.Leu1032Val (NM_017628.4); short protein forms L1032V.
Identifiers: ClinVar variation 3455394 (VCV003455394.3).

ClinVar aggregate classification (germline): Uncertain significance. Review status: criteria provided, multiple submitters, no conflicts (2 of 4 stars). 2 submissions from 2 submitters: Uncertain significance (2). Last evaluated 2024-12-08.

gnomAD v4.1: 2 of 1,614,178 alleles (0.00012%); highest among the groups gnomAD compares: Non-Finnish European, 0.00017%; no homozygotes.

Submissions (2):

Ambry Genetics
Classification: Uncertain significance. Last evaluated: 2024-12-08. Review status: criteria provided, single submitter. Criteria: Ambry Variant Classification Scheme 2023. Collection method: clinical testing. Allele origin: germline.
Comment: The p.L1032V variant (also known as c.3094C>G), located in coding exon 1 of the TET2 gene, results from a C to G substitution at nucleotide position 3094. The leucine at codon 1032 is replaced by valine, an amino acid with highly similar properties. This amino acid position is conserved. In addition, this alteration is predicted to be tolerated by in silico analysis. Based on the available evidence, the clinical significance of this variant remains unclear.

Labcorp Genetics (formerly Invitae), Labcorp
Classification: Uncertain significance. Last evaluated: 2024-02-22. Review status: criteria provided, single submitter. Criteria: Invitae Variant Classification Sherloc (09022015). Collection method: clinical testing. Allele origin: germline.
Comment: This sequence change replaces leucine, which is neutral and non-polar, with valine, which is neutral and non-polar, at codon 1032 of the TET2 protein (p.Leu1032Val). This variant is not present in population databases (gnomAD no frequency). This variant has not been reported in the literature in individuals affected with TET2-related conditions. An algorithm developed to predict the effect of missense changes on protein structure and function (PolyPhen-2) suggests that this variant is likely to be disruptive. In summary, the available evidence is currently insufficient to determine the role of this variant in disease. Therefore, it has been classified as a Variant of Uncertain Significance.